The following is an entry in ClinVar:

NM_000748.3(CHRNB2):c.859G>C (p.Val287Leu)

Gene: CHRNB2 (cholinergic receptor nicotinic beta 2 subunit; plus strand). Cytogenetic location: 1q21.3.
Variant type: single nucleotide variant.
Coding change: c.859G>C on transcript NM_000748.3 (MANE Select); coding-DNA position 859, G replaced by C.
Protein change: p.Val287Leu; replaces valine 287 with leucine.
Molecular consequence: missense variant.
Genome position (GRCh38, 1-based): chr1:154,571,682, G>C. VCF-style: chr1-154571682-G-C. GRCh37 (hg19) VCF-style: chr1-154544158-G-C.
Other names: short protein forms V287L.
Identifiers: ClinVar variation 17495 (VCV000017495.5), dbSNP rs74315291, ClinGen allele CA341463.

ClinVar aggregate classification (germline): Pathogenic. Review status: criteria provided, multiple submitters, no conflicts (2 of 4 stars). 3 submissions from 3 submitters: Pathogenic (2). 1 of the submissions does not count toward it. Last evaluated 2025-01-08.

Conditions:
Autosomal dominant nocturnal frontal lobe epilepsy 3. Also called: CHRNB2-Related Nocturnal Frontal Lobe Epilepsy, Autosomal Dominant. Identifiers: Orphanet 98784, MedGen C1854335, MONDO:0011545, OMIM 605375.

Submissions (3):

Department of Neurology, Zibo Changguo Hospital
Classification: Pathogenic for Autosomal dominant nocturnal frontal lobe epilepsy 3. Last evaluated: 2025-01-08. Review status: criteria provided, single submitter. Criteria: ACMG Guidelines, 2015. Collection method: clinical testing. Allele origin: germline. Inheritance: Autosomal dominant inheritance. Affected: yes.
Comment: PS3, PM1, PM5, PM2_Supporting+PS4_Supporting

GeneDx
Classification: Pathogenic. Last evaluated: 2023-08-10. Review status: criteria provided, single submitter. Criteria: GeneDx Variant Classification Process June 2021. Collection method: clinical testing. Allele origin: germline. Affected: yes.
Comment: Published transgenic mouse and rat models harboring this variant demonstrate spontaneous seizures during periods of increased EEG delta wave activity which would correlate with slow-wave sleep in humans (Manfredi et al., 2009; Shiba et al., 2015); Not observed at significant frequency in large population cohorts (gnomAD); In silico analysis supports that this missense variant does not alter protein structure/function; This variant is associated with the following publications: (PMID: 19237585, 20603624, 11062464, 27336596, 25565544, 28717674, 11512019, 15245761, 23934645, 18342259, 33924731, 15843070, 17662253, 12015163, 22897520, 21704022, 36835631, 17900292, 26072248, 21091316, 12681012, 12773798, 11952766, 15130686, 33689168, 23123803, 26309560, 33284031, 28761347, 33255633, 26561946, 35513164, 11893908, 16815873, 36796465, 12887446, 12782965, 12823585, 25104926, 11579434, 26091610, 11904236, 19153075)

OMIM
Classification: Pathogenic for EPILEPSY, NOCTURNAL FRONTAL LOBE, 3. Last evaluated: 2000-11-01. Review status: no assertion criteria provided. Collection method: literature only. Allele origin: germline. Not counted in ClinVar's aggregate classification.

Literature cited by the submitters: PubMed 11094099 (cited by OMIM); PubMed 11062464 (cited by OMIM).